The following is an entry in ClinVar:

ClinVar aggregate classification (germline): Uncertain significance (1 of 4 stars; one submission).

Submission:

Mayo Clinic Laboratories, Mayo Clinic
Classification: Uncertain significance. Last evaluated: 2022-04-13. Review status: criteria provided, single submitter. Criteria: ACMG Guidelines, 2015. Collection method: clinical testing. Allele origin: germline. Observed: 1 variant allele.
Comment: PM2

NM_024678.6(NARS2):c.1174G>A (p.Val392Ile)

Gene: NARS2 (asparaginyl-tRNA synthetase 2, mitochondrial; minus strand). Cytogenetic location: 11q14.1.
Variant type: single nucleotide variant.
Coding change: c.1174G>A on transcript NM_024678.6 (MANE Select); coding-DNA position 1174, G replaced by A.
Protein change: p.Val392Ile; replaces valine 392 with isoleucine.
Molecular consequence: missense variant.
Genome position (GRCh38, 1-based): chr11:78,443,749, C>T on the plus strand (G>A on the coding strand, the complement: NARS2 is on the minus strand). VCF-style: chr11-78443749-C-T. GRCh37 (hg19) VCF-style: chr11-78154795-C-T.
Other names: p.Val392Ile; c.493G>A, p.Val165Ile (NM_001243251.2, NM_001425312.1, NM_001425313.1 and 1 more transcripts); c.1297G>A, p.Val433Ile (NM_001425299.1); c.1174G>A, p.Val392Ile (NM_001425300.1, NM_001425305.1); c.1102G>A, p.Val368Ile (NM_001425301.1); c.1093G>A, p.Val365Ile (NM_001425302.1, NM_001425303.1); c.1036G>A, p.Val346Ile (NM_001425304.1); c.964G>A, p.Val322Ile (NM_001425306.1); and 5 more; short protein forms V165I, V175I, V206I, V302I, V315I, V316I, V322I, V346I.
Identifiers: ClinVar variation 2683162 (VCV002683162.1), dbSNP rs2496046175, ClinGen allele CA382179569.
Genomic context (GRCh38, chr11:78,443,749, plus strand): 5'-ATCGTTCTTCTCTGAGGCCTCCTCCAAAGAGTTCCCCAACTCCAGGAACCAGAAGATCAA[C>T]AGCAGCAACCTAAGGAAAAAAAAAAAATTATTAGCATTATATTTTCAGGTGATTCCAACA-3'
Protein context (NP_078954.4, residues 382-402): EDGPQHTVAA[Val392Ile]DLLVPGVGEL